The following is an entry in ClinVar:

ClinVar aggregate classification (germline): Uncertain significance (1 of 4 stars; one submission).

Submission:

GeneDx
Classification: Uncertain significance. Last evaluated: 2022-09-19. Review status: criteria provided, single submitter. Criteria: GeneDx Variant Classification Process June 2021. Collection method: clinical testing. Allele origin: germline. Affected: yes.
Comment: Not observed at significant frequency in large population cohorts (gnomAD); In silico analysis supports a deleterious effect on protein structure/function; Has not been previously published as pathogenic or benign to our knowledge

NM_006593.4(TBR1):c.1376_1377delinsAG (p.Arg459Gln)

Gene: TBR1 (T-box brain transcription factor 1; plus strand). Cytogenetic location: 2q24.2.
Variant type: Indel.
Coding change: c.1376_1377delinsAG on transcript NM_006593.4 (MANE Select); coding-DNA positions 1376 to 1377, GC replaced by AG.
Protein change: p.Arg459Gln; replaces arginine 459 with glutamine.
Molecular consequence: missense variant.
Genome position (GRCh38, 1-based): chr2:161,423,554-161,423,555, GC replaced by AG. VCF-style: chr2-161423554-GC-AG. GRCh37 (hg19) VCF-style: chr2-162280065-GC-AG.
Other names: short protein forms R459Q.
Identifiers: ClinVar variation 2444841 (VCV002444841.1), dbSNP rs2468099350, ClinGen allele CA2580064146.